The following is an entry in ClinVar:

ClinVar aggregate classification (germline): Conflicting classifications of pathogenicity. Review status: criteria provided, conflicting classifications (1 of 4 stars). 4 submissions from 4 submitters: Uncertain significance (2); Likely benign (1). 1 of the submissions does not count toward it. Last evaluated 2019-12-31.

Conditions:
WDR62-related disorder. Also called: WDR62-related condition.
Microcephaly 2, primary, autosomal recessive, with or without cortical malformations. Also called: MICROCEPHALY 2, PRIMARY, AUTOSOMAL RECESSIVE, WITH CORTICAL MALFORMATIONS; WDR62 Primary Microcephaly. Identifiers: Orphanet 2512, MedGen C1858535, MONDO:0011435, OMIM 604317.

Allele frequency attached by ClinVar (database versions not stated): gnomAD 0.00002 and 0.00011; TOPMed 0.00003; gnomAD exomes 0.00004 and 0.00018; ExAC 0.00010; 1000 Genomes Project 30x 0.00094; 1000 Genomes Project 0.00120.
gnomAD v4.1: 276 of 1,612,380 alleles (0.017%); highest among the groups gnomAD compares: East Asian, 0.55%; 1 homozygote.

Submissions (4):

Labcorp Genetics (formerly Invitae), Labcorp
Classification: Likely benign. Last evaluated: 2019-12-31. Review status: criteria provided, single submitter. Criteria: Invitae Variant Classification Sherloc (09022015). Collection method: clinical testing. Allele origin: germline.

GeneDx
Classification: Uncertain significance. Last evaluated: 2019-10-04. Review status: criteria provided, single submitter. Criteria: GeneDx Variant Classification Process June 2021. Collection method: clinical testing. Allele origin: germline. Affected: yes.
Comment: Has not been previously published as pathogenic or benign to our knowledge; In-silico analysis, which includes splice predictors and evolutionary conservation, is inconclusive as to whether the variant alters gene splicing. In the absence of RNA/functional studies, the actual effect of this sequence change is unknown

Illumina Laboratory Services, Illumina
Classification: Uncertain significance for Microcephaly 2, primary, autosomal recessive, with or without cortical malformations. Last evaluated: 2018-01-12. Review status: criteria provided, single submitter. Criteria: ICSL Variant Classification Criteria 13 December 2019. Collection method: clinical testing. Allele origin: germline.

PreventionGenetics, part of Exact Sciences
Classification: Likely benign for WDR62-related condition. Last evaluated: 2021-10-08. Review status: no assertion criteria provided. Collection method: clinical testing. Allele origin: germline. Not counted in ClinVar's aggregate classification.
Comment: This variant is classified as likely benign based on ACMG/AMP sequence variant interpretation guidelines (Richards et al. 2015 PMID: 25741868, with internal and published modifications).

NM_001083961.2(WDR62):c.1479C>T (p.Ala493=)

Gene: WDR62 (WD repeat domain 62; plus strand). Cytogenetic location: 19q13.12.
Variant type: single nucleotide variant.
Coding change: c.1479C>T on transcript NM_001083961.2 (MANE Select); coding-DNA position 1479, C replaced by T.
Protein change: p.Ala493=; no amino-acid change (alanine 493 retained).
Molecular consequence: synonymous variant.
Genome position (GRCh38, 1-based): chr19:36,083,170, C>T. VCF-style: chr19-36083170-C-T. GRCh37 (hg19) VCF-style: chr19-36574072-C-T.
Other names: c.1479C>T, p.Ala493= (NM_173636.5).
Identifiers: ClinVar variation 328911 (VCV000328911.13), dbSNP rs150656878, ClinGen allele CA9395617.